The following is an entry in ClinVar:

ClinVar aggregate classification (germline): Uncertain significance (1 of 4 stars; one submission).

Conditions:
Hypophosphataemia or rickets.

gnomAD v4.1: 42 of 1,438,820 alleles (0.0029%); highest among the groups gnomAD compares: Non-Finnish European, 0.0038%; no homozygotes.

Submission:

Cambridge Genomics Laboratory, East Genomic Laboratory Hub, NHS Genomic Medicine Service
Classification: Uncertain significance for Hypophosphataemia or rickets. Last evaluated: 2025-03-04. Review status: criteria provided, single submitter. Criteria: ACGS Best Practice Guidelines for Variant Classification in Rare Disease 2020. Collection method: clinical testing. Allele origin: germline. Affected: yes.
Comment: PM2,BP4

NM_006208.3(ENPP1):c.112G>C (p.Glu38Gln)

Gene: ENPP1 (ectonucleotide pyrophosphatase/phosphodiesterase 1; plus strand). Cytogenetic location: 6q23.2.
Variant type: single nucleotide variant.
Coding change: c.112G>C on transcript NM_006208.3 (MANE Select); coding-DNA position 112, G replaced by C.
Protein change: p.Glu38Gln; replaces glutamic acid 38 with glutamine.
Molecular consequence: missense variant.
Genome position (GRCh38, 1-based): chr6:131,808,147, G>C. VCF-style: chr6-131808147-G-C. GRCh37 (hg19) VCF-style: chr6-132129287-G-C.
Other names: short protein forms E38Q.
Identifiers: ClinVar variation 4683149 (VCV004683149.1).